The following is an entry in ClinVar:

ClinVar aggregate classification (germline): Conflicting classifications of pathogenicity. Review status: criteria provided, conflicting classifications (1 of 4 stars). 4 submissions from 4 submitters: Uncertain significance (2); Benign (1). 1 of the submissions does not count toward it. Last evaluated 2025-12-03.

Conditions:
DNAH5-related disorder. Also called: DNAH5-related condition.
Primary ciliary dyskinesia. Also called: Ciliary dyskinesia. Identifiers: Orphanet 244, MedGen C0008780, MONDO:0016575, HP:0012265.

Allele frequency attached by ClinVar (database versions not stated): ExAC 0.00002; gnomAD exomes 0.00002; 1000 Genomes Project 30x 0.00016; 1000 Genomes Project 0.00020; ESP Exome Variant Server 0.00023.
gnomAD v4.1: 49 of 1,614,160 alleles (0.003%); highest among the groups gnomAD compares: African/African-American, 0.033%; no homozygotes.

Submissions (4):

Labcorp Genetics (formerly Invitae), Labcorp
Classification: Benign for Primary ciliary dyskinesia. Last evaluated: 2025-12-03. Review status: criteria provided, single submitter. Criteria: Invitae Variant Classification Sherloc (09022015). Collection method: clinical testing. Allele origin: germline.

GeneDx
Classification: Uncertain significance. Last evaluated: 2023-12-27. Review status: criteria provided, single submitter. Criteria: GeneDx Variant Classification Process June 2021. Collection method: clinical testing. Allele origin: germline. Affected: yes.
Comment: In silico analysis supports that this missense variant has a deleterious effect on protein structure/function; Has not been previously published as pathogenic or benign to our knowledge

Ambry Genetics
Classification: Uncertain significance for Primary ciliary dyskinesia. Last evaluated: 2015-08-26. Review status: criteria provided, single submitter. Criteria: Ambry Variant Classification Scheme 2023. Collection method: clinical testing. Allele origin: germline.
Comment: The p.E265K variant (also known as c.793G>A), located in coding exon 6 of the DNAH5 gene, results from a G to A substitution at nucleotide position 793. The glutamic acid at codon 265 is replaced by lysine, an amino acid with similar properties. This variant was previously reported in the SNPDatabase as rs140576123. Based on data from the NHLBI Exome Sequencing Project (ESP), the A allele has an overall frequency of approximately 0.02% (3/13006) total alleles studied, having been observed in 0.07% (3/4406) African American alleles. This amino acid position is well conserved in available vertebrate species. In addition, this alteration is predicted to be tolerated by in silico analysis. Since supporting evidence is limited at this time, the clinical significance of this variant remains unclear.

PreventionGenetics, part of Exact Sciences
Classification: Uncertain significance for DNAH5-related condition. Last evaluated: 2024-07-22. Review status: no assertion criteria provided. Collection method: clinical testing. Allele origin: germline. Not counted in ClinVar's aggregate classification.
Comment: The DNAH5 c.793G>A variant is predicted to result in the amino acid substitution p.Glu265Lys. To our knowledge, this variant has not been reported in the literature. This variant is reported in 0.032% of alleles in individuals of African descent in gnomAD At this time, the clinical significance of this variant is uncertain due to the absence of conclusive functional and genetic evidence.

NM_001369.3(DNAH5):c.793G>A (p.Glu265Lys)

Gene: DNAH5 (dynein axonemal heavy chain 5; minus strand). Cytogenetic location: 5p15.2.
Variant type: single nucleotide variant.
Coding change: c.793G>A on transcript NM_001369.3 (MANE Select); coding-DNA position 793, G replaced by A.
Protein change: p.Glu265Lys; replaces glutamic acid 265 with lysine.
Molecular consequence: missense variant.
Genome position (GRCh38, 1-based): chr5:13,920,485, C>T on the plus strand (G>A on the coding strand, the complement: DNAH5 is on the minus strand). VCF-style: chr5-13920485-C-T. GRCh37 (hg19) VCF-style: chr5-13920594-C-T.
Other names: short protein forms E265K.
Identifiers: ClinVar variation 1761319 (VCV001761319.10), dbSNP rs140576123, ClinGen allele CA3205100.
Genomic context (GRCh38, chr5:13,920,485, plus strand): 5'-TTGTCTAGCGCAGTAATGTGGCACCTGAAATTGATGTTTGGTTTCTCAAAATTACCTGTT[C>T]TGTCTGTTTGATCCATACTTTCATGCAATCCTCTATTTTTCCCAAAGTCTCAGGGTTATT-3'
Protein context (NP_001360.1, residues 255-275): DCMKVWIKQT[Glu265Lys]QVLAENNQLL